The following is an entry in ClinVar:

NM_002691.4(POLD1):c.274G>A (p.Glu92Lys)

Gene: POLD1 (DNA polymerase delta 1, catalytic subunit; plus strand). Cytogenetic location: 19q13.33.
Variant type: single nucleotide variant.
Coding change: c.274G>A on transcript NM_002691.4 (MANE Select); coding-DNA position 274, G replaced by A.
Protein change: p.Glu92Lys; replaces glutamic acid 92 with lysine.
Molecular consequence: missense variant. On other transcripts: non-coding transcript variant (1).
Genome position (GRCh38, 1-based): chr19:50,399,442, G>A. VCF-style: chr19-50399442-G-A. GRCh37 (hg19) VCF-style: chr19-50902699-G-A.
Other names: c.274G>A, p.Glu92Lys (NM_001256849.1, NM_001308632.1); c.274G>A (NM_002691.2); short protein forms E92K.
Identifiers: ClinVar variation 570097 (VCV000570097.9), dbSNP rs1568615700, ClinGen allele CA406970547.

ClinVar aggregate classification (germline): Uncertain significance. Review status: criteria provided, multiple submitters, no conflicts (2 of 4 stars). 2 submissions from 2 submitters: Uncertain significance (2). Last evaluated 2024-07-23.

Conditions:
Hereditary cancer-predisposing syndrome. Also called: Tumor predisposition; Neoplastic Syndromes, Hereditary; Hereditary Cancer Syndrome; Hereditary neoplastic syndrome. Identifiers: Orphanet 140162, MedGen C0027672, MeSH D009386, MONDO:0015356.
POLD1-related polyposis and colorectal cancer syndrome (CRCS10). Also called: Colorectal cancer 10; COLORECTAL CANCER, SUSCEPTIBILITY TO, ON CHROMOSOME 19q; Colorectal cancer, susceptibility to, 10. Identifiers: Orphanet 220460, MedGen C2675481, MONDO:0012953, OMIM 612591.

Submissions (2):

Ambry Genetics
Classification: Uncertain significance for Hereditary cancer-predisposing syndrome. Last evaluated: 2024-07-23. Review status: criteria provided, single submitter. Criteria: Ambry Variant Classification Scheme 2023. Collection method: clinical testing. Allele origin: germline.
Comment: The p.E92K variant (also known as c.274G>A), located in coding exon 2 of the POLD1 gene, results from a G to A substitution at nucleotide position 274. The glutamic acid at codon 92 is replaced by lysine, an amino acid with similar properties. This amino acid position is conserved. In addition, this alteration is predicted to be tolerated by in silico analysis. Based on the available evidence, the clinical significance of this variant remains unclear.

Labcorp Genetics (formerly Invitae), Labcorp
Classification: Uncertain significance for POLD1-related polyposis and colorectal cancer syndrome. Last evaluated: 2023-11-28. Review status: criteria provided, single submitter. Criteria: Invitae Variant Classification Sherloc (09022015). Collection method: clinical testing. Allele origin: germline.
Comment: This sequence change replaces glutamic acid, which is acidic and polar, with lysine, which is basic and polar, at codon 92 of the POLD1 protein (p.Glu92Lys). This variant is not present in population databases (gnomAD no frequency). This variant has not been reported in the literature in individuals affected with POLD1-related conditions. ClinVar contains an entry for this variant (Variation ID: 570097). Advanced modeling of protein sequence and biophysical properties (such as structural, functional, and spatial information, amino acid conservation, physicochemical variation, residue mobility, and thermodynamic stability) performed at Invitae indicates that this missense variant is not expected to disrupt POLD1 protein function with a negative predictive value of 80%. In summary, the available evidence is currently insufficient to determine the role of this variant in disease. Therefore, it has been classified as a Variant of Uncertain Significance.